The following is an entry in ClinVar:

NM_022489.4(INF2):c.1902T>A (p.Asp634Glu)

Gene: INF2 (inverted formin 2; plus strand). Cytogenetic location: 14q32.33.
Variant type: single nucleotide variant.
Coding change: c.1902T>A on transcript NM_022489.4 (MANE Select); coding-DNA position 1902, T replaced by A.
Protein change: p.Asp634Glu; replaces aspartic acid 634 with glutamic acid.
Molecular consequence: missense variant.
Genome position (GRCh38, 1-based): chr14:104,708,685, T>A. VCF-style: chr14-104708685-T-A. GRCh37 (hg19) VCF-style: chr14-105175022-T-A.
Other names: c.1902T>A, p.Asp634Glu (NM_001031714.4); short protein forms D634E.
Identifiers: ClinVar variation 1714610 (VCV001714610.5), dbSNP rs2541926282, ClinGen allele CA391219023.

ClinVar aggregate classification (germline): Uncertain significance (1 of 4 stars; one submission).

Conditions:
Focal segmental glomerulosclerosis 5 (FSGS5). Identifiers: Orphanet 656, MedGen C2750475, MONDO:0013191, OMIM 613237.
Charcot-Marie-Tooth disease dominant intermediate E. Also called: CHARCOT-MARIE-TOOTH NEUROPATHY WITH FOCAL SEGMENTAL GLOMERULONEPHRITIS. Identifiers: Orphanet 93114, MedGen C4302667, MONDO:0013758, OMIM 614455.

Submission:

Labcorp Genetics (formerly Invitae), Labcorp
Classification: Uncertain significance for Charcot-Marie-Tooth disease dominant intermediate E; Focal segmental glomerulosclerosis 5. Last evaluated: 2022-07-31. Review status: criteria provided, single submitter. Criteria: Invitae Variant Classification Sherloc (09022015). Collection method: clinical testing. Allele origin: germline.
Comment: This sequence change replaces aspartic acid, which is acidic and polar, with glutamic acid, which is acidic and polar, at codon 634 of the INF2 protein (p.Asp634Glu). In summary, the available evidence is currently insufficient to determine the role of this variant in disease. Therefore, it has been classified as a Variant of Uncertain Significance. Algorithms developed to predict the effect of missense changes on protein structure and function are either unavailable or do not agree on the potential impact of this missense change (SIFT: "Tolerated"; PolyPhen-2: "Not Available"; Align-GVGD: "Class C0"). This variant has not been reported in the literature in individuals affected with INF2-related conditions. This variant is not present in population databases (gnomAD no frequency).